The following is an entry in ClinVar:

NM_014845.6(FIG4):c.1141C>T (p.Arg381Ter)

Gene: FIG4 (FIG4 phosphoinositide 5-phosphatase; plus strand). Cytogenetic location: 6q21.
Variant type: single nucleotide variant.
Coding change: c.1141C>T on transcript NM_014845.6 (MANE Select); coding-DNA position 1141, C replaced by T.
Protein change: p.Arg381Ter; replaces arginine 381 with a stop codon.
Molecular consequence: nonsense.
Genome position (GRCh38, 1-based): chr6:109,760,253, C>T. VCF-style: chr6-109760253-C-T. GRCh37 (hg19) VCF-style: chr6-110081456-C-T.
Other names: p.Arg381*; short protein forms R381*.
Identifiers: ClinVar variation 217228 (VCV000217228.62), dbSNP rs377357931, ClinGen allele CA277617.

ClinVar aggregate classification (germline): Pathogenic. Review status: criteria provided, multiple submitters, no conflicts (2 of 4 stars). 13 submissions from 13 submitters: Pathogenic (12). 1 of the submissions does not count toward it. Last evaluated 2026-08-21.

Conditions:
Inborn genetic diseases. Identifiers: MedGen C0950123, MeSH D030342.
Charcot-Marie-Tooth disease type 4. Also called: Charcot-Marie-Tooth, Type 4; Charcot-Marie-Tooth disease, type IV. Identifiers: Orphanet 64749, MedGen C4082197, MONDO:0018995.
Yunis-Varon syndrome (YVS). Also called: Cleidocranial dysplasia, micrognathia, absent thumbs, & distal aphalangia. Identifiers: Orphanet 3472, MedGen C1857663, MONDO:0008995, OMIM 216340.
FIG4-related disorder. Also called: FIG4-related disorders; FIG4-related condition.
Amyotrophic lateral sclerosis type 11 (ALS11). Identifiers: Orphanet 803, MedGen C2675491, MONDO:0012945, OMIM 612577.
Bilateral parasagittal parieto-occipital polymicrogyria. Also called: Polymicrogyria, bilateral temporooccipital. Identifiers: Orphanet 208441, MedGen C4013648, MONDO:0012986, OMIM 612691.
Charcot-Marie-Tooth disease type 4J (CMT4J). Also called: Charcot-Marie-Tooth Neuropathy Type 4J; CHARCOT-MARIE-TOOTH DISEASE, AUTOSOMAL RECESSIVE, TYPE 4J; CHARCOT-MARIE-TOOTH DISEASE, DEMYELINATING, TYPE 4J. Identifiers: Orphanet 139515, MedGen C1970011, MONDO:0012640, OMIM 611228.

Allele frequency attached by ClinVar (database versions not stated): gnomAD exomes 0.00004; ExAC 0.00006; gnomAD 0.00007 and 0.00009; TOPMed 0.00007; ESP Exome Variant Server 0.00008; 1000 Genomes Project 30x 0.00016; 1000 Genomes Project 0.00020.
gnomAD v4.1: 35 of 1,612,802 alleles (0.0022%); highest among the groups gnomAD compares: African/African-American, 0.016%; no homozygotes.

Submissions (13):

PreventionGenetics, part of Exact Sciences
Classification: Pathogenic for FIG4-related condition. Last evaluated: 2026-08-21. Review status: criteria provided, single submitter. Criteria: ACMG Guidelines, 2015. Collection method: clinical testing. Allele origin: germline.
Comment: The FIG4 c.1141C>T variant is predicted to result in premature protein termination (p.Arg381*). This variant has been reported in the compound heterozygous state in multiple individuals with Charcot-Marie-Tooth disease type 4J (Nicholson et al. 2011. PubMed ID: 21705420; Zimmermann et al. 2020. PubMed ID: 32268254; Beauregard-Lacroix et al. 2024. PubMed ID: 39669591). This variant is reported in 0.024% of alleles in individuals of African descent in gnomAD. Nonsense variants in FIG4 are expected to be pathogenic. This variant is interpreted as pathogenic.

Women's Health and Genetics/Laboratory Corporation of America, LabCorp
Classification: Pathogenic for Charcot-Marie-Tooth disease type 4J. Last evaluated: 2025-11-18. Review status: criteria provided, single submitter. Criteria: LabCorp Variant Classification Summary - May 2015. Collection method: clinical testing. Allele origin: germline.
Comment: Variant summary: FIG4 c.1141C>T (p.Arg381X) results in a premature termination codon, predicted to cause a truncation of the encoded protein or absence of the protein due to nonsense mediated decay, which are commonly known mechanisms for disease. The variant allele was found at a frequency of 3.6e-05 in 251254 control chromosomes. c.1141C>T has been observed in at least 1 individual(s) affected with clinical features of Charcot-Marie-Tooth disease type 4J (example, Nicholson_2011). The following publication have been ascertained in the context of this evaluation (PMID: 21705420). ClinVar contains an entry for this variant (Variation ID: 217228). Based on the evidence outlined above, the variant was classified as pathogenic.

Labcorp Genetics (formerly Invitae), Labcorp
Classification: Pathogenic for Charcot-Marie-Tooth disease type 4. Last evaluated: 2025-10-23. Review status: criteria provided, single submitter. Criteria: Invitae Variant Classification Sherloc (09022015). Collection method: clinical testing. Allele origin: germline.
Comment: This sequence change creates a premature translational stop signal (p.Arg381*) in the FIG4 gene. It is expected to result in an absent or disrupted protein product. Loss-of-function variants in FIG4 are known to be pathogenic (PMID: 23623387, 30740813). This variant is present in population databases (rs377357931, gnomAD 0.02%). This premature translational stop signal has been observed in individual(s) with Charcot-Marie-Tooth disease (PMID: 21705420). ClinVar contains an entry for this variant (Variation ID: 217228). Algorithms developed to predict the effect of sequence changes on RNA splicing suggest that this variant may disrupt the consensus splice site. For these reasons, this variant has been classified as Pathogenic.

Center for Reproduction and Genetics, Suzhou Municipal Hospital
Classification: Pathogenic for Yunis-Varon Syndrome. Last evaluated: 2025-07-01. Review status: criteria provided, single submitter. Criteria: ACMG Guidelines, 2015. Collection method: research. Allele origin: maternal. Affected: yes. Observed: 2 variant alleles.
Comment: This NM_014845.6:c.1141C>T change creates a premature translational stop signal (p.Arg381*) in the FIG4 gene. It is expected to result in an absent or disrupted protein product(PVS1). Loss-of-function variants in FIG4 are known to be pathogenic (PMID: 23623387, 30740813). This variant is present in population databases (rs377357931, gnomAD 0.02%). This premature translational stop signal has been observed in individual(s) with Charcot-Marie-Tooth disease (PMID: 21705420). ClinVar contains an entry for this variant (VCV000217228.50). For these reasons, this variant has been classified as Pathogenic.

Dasa
Classification: Pathogenic. Last evaluated: 2025-01-07. Review status: criteria provided, single submitter. Criteria: DASA Assertion Criteria. Collection method: clinical testing. Allele origin: germline.
Comment: NM_014845.6(FIG4):c.1141C>T (p.Arg381*) introduces a premature termination codon predicted to result in loss of normal protein function. Loss-of-function is an established mechanism of disease for this gene. This variant has been observed in affected individuals with related phenotype in a genotype context consistent with recessive disease (PMID: 19118816; PMID: 21705420; PMID: 32268254; PMID: 38162165). This variant has been recurrently observed in individuals with related phenotype (PMID: 19118816; PMID: 21705420; PMID: 32268254; PMID: 38162165). The variant is present at low frequency in population datasets. Based on the available data, this variant is classified as pathogenic.

Genomic Medicine Center of Excellence, King Faisal Specialist Hospital and Research Centre
Classification: Pathogenic for Charcot-Marie-Tooth disease type 4J. Last evaluated: 2024-03-29. Review status: criteria provided, single submitter. Criteria: ACMG Guidelines, 2015. Collection method: clinical testing. Allele origin: germline.

GeneDx
Classification: Pathogenic. Last evaluated: 2024-03-04. Review status: criteria provided, single submitter. Criteria: GeneDx Variant Classification Process June 2021. Collection method: clinical testing. Allele origin: germline. Affected: yes.
Comment: Nonsense variant predicted to result in protein truncation or nonsense mediated decay in a gene for which loss-of-function is a known mechanism of disease; This variant is associated with the following publications: (PMID: 25525159, 23623387, Umair2021[Case Report], 21705420, 32268254)

Mayo Clinic Laboratories, Mayo Clinic
Classification: Pathogenic. Last evaluated: 2023-08-22. Review status: criteria provided, single submitter. Criteria: ACMG Guidelines, 2015. Collection method: clinical testing. Allele origin: germline. Observed: 1 variant allele.
Comment: PP4, PM3, PVS1

Ambry Genetics
Classification: Pathogenic for Inborn genetic diseases. Last evaluated: 2019-12-23. Review status: criteria provided, single submitter. Criteria: Ambry Variant Classification Scheme 2023. Collection method: clinical testing. Allele origin: germline.
Comment: The p.R381* pathogenic mutation (also known as c.1141C>T), located in coding exon 11 of the FIG4 gene, results from a C to T substitution at nucleotide position 1141. This changes the amino acid from an arginine to a stop codon within coding exon 11. In addition to the clinical data presented in the literature, this alteration is expected to result in loss of function by premature protein truncation or nonsense-mediated mRNA decay. As such, this alteration is interpreted as a disease-causing mutation.

CeGaT Center for Human Genetics Tuebingen
Classification: Pathogenic. Last evaluated: 2019-07-01. Review status: criteria provided, single submitter. Criteria: CeGaT Center For Human Genetics Tuebingen Variant Classification Criteria Version 2. Collection method: clinical testing. Allele origin: germline. Affected: yes. Observed: 2 variant alleles.

Athena Diagnostics
Classification: Pathogenic for Charcot-Marie-Tooth disease, type 4J. Last evaluated: 2014-01-16. Review status: criteria provided, single submitter. Criteria: Athena Diagnostics Criteria. Collection method: clinical testing. Allele origin: germline. Inheritance: Autosomal recessive inheritance.

Juno Genomics, Hangzhou Juno Genomics, Inc
Classification: Pathogenic for Bilateral parasagittal parieto-occipital polymicrogyria; Amyotrophic lateral sclerosis type 11; Charcot-Marie-Tooth disease type 4J; Yunis-Varon syndrome. Review status: criteria provided, single submitter. Criteria: ACMG Guidelines, 2015. Collection method: clinical testing. Allele origin: germline.
Comment: Absent from controls (or at extremely low frequency if recessive) in Genome Aggregation Database.;Null variant in a gene where loss of function (LOF) is a known mechanism of disease.;For recessive disorders, detected in trans with a pathogenic variant.

Inherited Neuropathy Consortium Ii, University Of Miami
Classification: Uncertain significance for Charcot-Marie-Tooth disease type 4J. Last evaluated: 2016-01-06. Review status: no assertion criteria provided. Collection method: literature only. Allele origin: germline. Affected: yes. Not counted in ClinVar's aggregate classification.

Literature cited by the submitters: PubMed 21705420 (cited by 8 submitters); PubMed 23623387 (cited by Labcorp Genetics (formerly Invitae), Labcorp and Center for Reproduction and Genetics, Suzhou Municipal Hospital); PubMed 30740813 (cited by Labcorp Genetics (formerly Invitae), Labcorp and Center for Reproduction and Genetics, Suzhou Municipal Hospital); PubMed 19118816 (cited by Dasa); PubMed 32268254 (cited by Dasa and Mayo Clinic Laboratories, Mayo Clinic); PubMed 38162165 (cited by Dasa); PubMed 34899148 (cited by Mayo Clinic Laboratories, Mayo Clinic).